The following is an entry in ClinVar:

NM_005918.4(MDH2):c.848C>T (p.Thr283Met)

Gene: MDH2 (malate dehydrogenase 2; plus strand). Cytogenetic location: 7q11.23.
Variant type: single nucleotide variant.
Coding change: c.848C>T on transcript NM_005918.4 (MANE Select); coding-DNA position 848, C replaced by T.
Protein change: p.Thr283Met; replaces threonine 283 with methionine.
Molecular consequence: missense variant.
Genome position (GRCh38, 1-based): chr7:76,064,916, C>T. VCF-style: chr7-76064916-C-T. GRCh37 (hg19) VCF-style: chr7-75694234-C-T.
Other names: c.722C>T, p.Thr241Met (NM_001282403.2); c.527C>T, p.Thr176Met (NM_001282404.2); short protein forms T176M, T241M, T283M.
Identifiers: ClinVar variation 2177941 (VCV002177941.4), dbSNP rs371190336, ClinGen allele CA4305726.

ClinVar aggregate classification (germline): Uncertain significance (1 of 4 stars; one submission).

Allele frequency attached by ClinVar (database versions not stated): gnomAD exomes below 0.00001; ExAC 0.00001.
gnomAD v4.1: 5 of 1,614,116 alleles (0.00031%); highest among the groups gnomAD compares: East Asian, 0.0022%; no homozygotes.

Submission:

Labcorp Genetics (formerly Invitae), Labcorp
Classification: Uncertain significance. Last evaluated: 2023-08-04. Review status: criteria provided, single submitter. Criteria: Invitae Variant Classification Sherloc (09022015). Collection method: clinical testing. Allele origin: germline.
Comment: This sequence change replaces threonine, which is neutral and polar, with methionine, which is neutral and non-polar, at codon 283 of the MDH2 protein (p.Thr283Met). This variant is present in population databases (rs371190336, gnomAD 0.006%). In summary, the available evidence is currently insufficient to determine the role of this variant in disease. Therefore, it has been classified as a Variant of Uncertain Significance. Advanced modeling of protein sequence and biophysical properties (such as structural, functional, and spatial information, amino acid conservation, physicochemical variation, residue mobility, and thermodynamic stability) performed at Invitae indicates that this missense variant is not expected to disrupt MDH2 protein function. ClinVar contains an entry for this variant (Variation ID: 2177941). This variant has not been reported in the literature in individuals affected with MDH2-related conditions.